The following is an entry in ClinVar:

ClinVar aggregate classification (germline): Pathogenic (1 of 4 stars; one submission).

Allele frequency attached by ClinVar (database versions not stated): gnomAD exomes below 0.00001.

Submission:

GeneDx
Classification: Pathogenic. Last evaluated: 2022-04-07. Review status: criteria provided, single submitter. Criteria: GeneDx Variant Classification Process June 2021. Collection method: clinical testing. Allele origin: germline. Affected: yes.
Comment: Not observed at significant frequency in large population cohorts (gnomAD); Published functional studies demonstrate a damaging effect, the L68P variant alters the kinetic parameters and protein binding (Fu et al., 2012); This variant is associated with the following publications: (PMID: 24075303, 22157001, 16549399)

NM_000194.3(HPRT1):c.203T>C (p.Leu68Pro)

Gene: HPRT1 (hypoxanthine phosphoribosyltransferase 1; plus strand). Cytogenetic location: Xq26.2.
Variant type: single nucleotide variant.
Coding change: c.203T>C on transcript NM_000194.3 (MANE Select); coding-DNA position 203, T replaced by C.
Protein change: p.Leu68Pro; replaces leucine 68 with proline.
Molecular consequence: missense variant.
Genome position (GRCh38, 1-based): chrX:134,475,249, T>C. VCF-style: chrX-134475249-T-C. GRCh37 (hg19) VCF-style: chrX-133609279-T-C.
Other names: short protein forms L68P.
Identifiers: ClinVar variation 1708862 (VCV001708862.2), dbSNP rs2520785369, ClinGen allele CA414712071.